The following is an entry in ClinVar:

ClinVar aggregate classification (germline): Uncertain significance (1 of 4 stars; one submission).

Allele frequency attached by ClinVar (database versions not stated): TOPMed below 0.00001; gnomAD exomes 0.00001; ExAC 0.00004.
gnomAD v4.1: 19 of 1,606,826 alleles (0.0012%); highest among the groups gnomAD compares: South Asian, 0.021%; no homozygotes.

Submission:

Labcorp Genetics (formerly Invitae), Labcorp
Classification: Uncertain significance. Last evaluated: 2022-03-10. Review status: criteria provided, single submitter. Criteria: Invitae Variant Classification Sherloc (09022015). Collection method: clinical testing. Allele origin: germline.
Comment: In summary, the available evidence is currently insufficient to determine the role of this variant in disease. Therefore, it has been classified as a Variant of Uncertain Significance. Algorithms developed to predict the effect of missense changes on protein structure and function output the following: SIFT: "Deleterious"; PolyPhen-2: "Benign"; Align-GVGD: "Class C0". The glutamic acid amino acid residue is found in multiple mammalian species, which suggests that this missense change does not adversely affect protein function. This variant has not been reported in the literature in individuals affected with TUB-related conditions. This variant is present in population databases (rs758541983, gnomAD 0.01%). This sequence change replaces aspartic acid, which is acidic and polar, with glutamic acid, which is acidic and polar, at codon 235 of the TUB protein (p.Asp235Glu).

NM_177972.3(TUB):c.540T>G (p.Asp180Glu)

Genes: TUB (TUB bipartite transcription factor; plus strand), RIC3 (RIC3 acetylcholine receptor chaperone; minus strand). Cytogenetic location: 11p15.4.
Variant type: single nucleotide variant.
Coding change: c.540T>G on transcript NM_177972.3 (MANE Select); coding-DNA position 540, T replaced by G.
Protein change: p.Asp180Glu; replaces aspartic acid 180 with glutamic acid.
Molecular consequence: missense variant.
Genome position (GRCh38, 1-based): chr11:8,095,640, T>G. VCF-style: chr11-8095640-T-G. GRCh37 (hg19) VCF-style: chr11-8117187-T-G.
Other names: c.705T>G, p.Asp235Glu (NM_003320.5); short protein forms D180E, D235E.
Identifiers: ClinVar variation 1489107 (VCV001489107.8), dbSNP rs758541983, ClinGen allele CA5871127.